The following is an entry in ClinVar:

ClinVar aggregate classification (germline): Benign (1 of 4 stars; one submission).

Allele frequency attached by ClinVar (database versions not stated): gnomAD 0.38652 and 0.38662; 1000 Genomes Project 30x 0.37726; 1000 Genomes Project 0.37939; TOPMed 0.38256.
gnomAD v4.1: 58,599 of 151,430 alleles (39%); highest among the groups gnomAD compares: East Asian, 53%; 11,756 homozygotes.

Submission:

GeneDx
Classification: Benign. Last evaluated: 2018-06-14. Review status: criteria provided, single submitter. Criteria: GeneDx Variant Classification (06012015). Collection method: clinical testing. Allele origin: germline. Affected: yes.
Comment: This variant is considered likely benign or benign based on one or more of the following criteria: it is a conservative change, it occurs at a poorly conserved position in the protein, it is predicted to be benign by multiple in silico algorithms, and/or has population frequency not consistent with disease.

NM_018979.4(WNK1):c.6449-270G>A

Gene: WNK1 (WNK lysine deficient protein kinase 1; plus strand). Cytogenetic location: 12p13.33.
Variant type: single nucleotide variant.
Coding change: c.6449-270G>A on transcript NM_018979.4 (MANE Select); 270 bases into the intron before coding-DNA position 6449, G replaced by A.
Molecular consequence: intron variant.
Genome position (GRCh38, 1-based): chr12:900,206, G>A. VCF-style: chr12-900206-G-A. GRCh37 (hg19) VCF-style: chr12-1009372-G-A.
Other names: c.7205-270G>A (NM_213655.5); c.7229-270G>A (NM_001184985.2); c.5705-270G>A (NM_014823.3).
Identifiers: ClinVar variation 681314 (VCV000681314.1), dbSNP rs11611051, ClinGen allele CA13610669.
Genomic context (GRCh38, chr12:900,206, plus strand): 5'-TGGCTAATTTTTATATTTTTAGTAGAGACAGGGTTTCATCATGTTGGCCAGGCTGGTCTC[G>A]AACTCCTGACCTCAGGTGATCCGCCCACCTTGGCCTCCCAAAGTGCTGGGATATTATAGG-3'